The following is an entry in ClinVar:

ClinVar aggregate classification (germline): Conflicting classifications of pathogenicity. Review status: criteria provided, conflicting classifications (1 of 4 stars). 3 submissions from 3 submitters: Uncertain significance (1); Likely benign (2). Last evaluated 2026-01-28.

Conditions:
CPLANE1-related disorder. Also called: CPLANE1-related condition.

Allele frequency attached by ClinVar (database versions not stated): gnomAD 0.00001; gnomAD exomes 0.00014 and 0.00038; 1000 Genomes Project 30x 0.00016; 1000 Genomes Project 0.00020; ExAC 0.00102.
gnomAD v4.1: 195 of 1,550,346 alleles (0.013%); highest among the groups gnomAD compares: South Asian, 0.23%; 2 homozygotes.

Submissions (3):

PreventionGenetics, part of Exact Sciences
Classification: Likely benign for CPLANE1-related condition. Last evaluated: 2026-01-28. Review status: criteria provided, single submitter. Criteria: ACMG Guidelines, 2015. Collection method: clinical testing. Allele origin: germline.
Comment: This variant is classified as likely benign based on ACMG/AMP sequence variant interpretation guidelines (Richards et al. 2015 PMID: 25741868, with internal and published modifications).

Labcorp Genetics (formerly Invitae), Labcorp
Classification: Likely benign. Last evaluated: 2026-01-20. Review status: criteria provided, single submitter. Criteria: Invitae Variant Classification Sherloc (09022015). Collection method: clinical testing. Allele origin: germline.

Blueprint Genetics
Classification: Uncertain significance. Last evaluated: 2024-10-03. Review status: criteria provided, single submitter. Criteria: ACMG Guidelines, 2015. Collection method: clinical testing. Allele origin: germline.

NM_001384732.1(CPLANE1):c.1896G>T (p.Trp632Cys)

Gene: CPLANE1 (ciliogenesis and planar polarity effector complex subunit 1; minus strand). Cytogenetic location: 5p13.2.
Variant type: single nucleotide variant.
Coding change: c.1896G>T on transcript NM_001384732.1 (MANE Select); coding-DNA position 1896, G replaced by T.
Protein change: p.Trp632Cys; replaces tryptophan 632 with cysteine.
Molecular consequence: missense variant.
Genome position (GRCh38, 1-based): chr5:37,226,699, C>A on the plus strand (G>T on the coding strand, the complement: CPLANE1 is on the minus strand). VCF-style: chr5-37226699-C-A. GRCh37 (hg19) VCF-style: chr5-37226801-C-A.
Other names: c.1896G>T (NM_023073.3); c.1896G>T, p.Trp632Cys (NM_023073.4); short protein forms W632C.
Identifiers: ClinVar variation 1637372 (VCV001637372.10), dbSNP rs539789389, ClinGen allele CA3239066.
Genomic context (GRCh38, chr5:37,226,699, plus strand): 5'-TCTTATATCCCAATAATGGATTGATAAACACTGATGAAAAAGTTGAAAGATACAAAGTAT[C>A]CATGCATTATGTCTTGAGCTTTTGCTTAAAACAAGATCAAGTTTAGGAAAAGGACATTTT-3'
Protein context (NP_001371661.1, residues 622-642): VLSKSSRHNA[Trp632Cys]ILCIFQLFHQ